The following is an entry in ClinVar:

ClinVar aggregate classification (germline): Likely pathogenic (1 of 4 stars; one submission).

Conditions:
Niemann-Pick disease, type C1. Also called: NIEMANN-PICK DISEASE, VARIANT TYPE C1; NEUROVISCERAL STORAGE DISEASE WITH VERTICAL SUPRANUCLEAR OPHTHALMOPLEGIA; NIEMANN-PICK DISEASE WITH CHOLESTEROL ESTERIFICATION BLOCK; NIEMANN-PICK DISEASE WITHOUT SPHINGOMYELINASE DEFICIENCY; NIEMANN-PICK DISEASE, CHRONIC NEURONOPATHIC FORM. Identifiers: Orphanet 646, MedGen C3179455, MONDO:0009757, OMIM 257220.

Submission:

Labcorp Genetics (formerly Invitae), Labcorp
Classification: Likely pathogenic for Niemann-Pick disease, type C1. Last evaluated: 2023-10-31. Review status: criteria provided, single submitter. Criteria: Invitae Variant Classification Sherloc (09022015). Collection method: clinical testing. Allele origin: germline.
Comment: This sequence change replaces serine, which is neutral and polar, with threonine, which is neutral and polar, at codon 865 of the NPC1 protein (p.Ser865Thr). This variant is present in population databases (no rsID available, gnomAD 0.01%). This variant has not been reported in the literature in individuals affected with NPC1-related conditions. Advanced modeling of protein sequence and biophysical properties (such as structural, functional, and spatial information, amino acid conservation, physicochemical variation, residue mobility, and thermodynamic stability) performed at Invitae indicates that this missense variant is expected to disrupt NPC1 protein function with a positive predictive value of 95%. This variant disrupts the p.Ser865 amino acid residue in NPC1. Other variant(s) that disrupt this residue have been determined to be pathogenic (PMID: 16098014, 16126423). This suggests that this residue is clinically significant, and that variants that disrupt this residue are likely to be disease-causing. In summary, the currently available evidence indicates that the variant is pathogenic, but additional data are needed to prove that conclusively. Therefore, this variant has been classified as Likely Pathogenic.

Literature cited by the submitters: PubMed 16098014; PubMed 16126423.

NM_000271.5(NPC1):c.2593T>A (p.Ser865Thr)

Gene: NPC1 (NPC intracellular cholesterol transporter 1; minus strand). Cytogenetic location: 18q11.2.
Variant type: single nucleotide variant.
Coding change: c.2593T>A on transcript NM_000271.5 (MANE Select); coding-DNA position 2593, T replaced by A.
Protein change: p.Ser865Thr; replaces serine 865 with threonine.
Molecular consequence: missense variant.
Genome position (GRCh38, 1-based): chr18:23,540,459, A>T on the plus strand (T>A on the coding strand, the complement: NPC1 is on the minus strand). VCF-style: chr18-23540459-A-T. GRCh37 (hg19) VCF-style: chr18-21120423-A-T.
Other names: short protein forms S865T.
Identifiers: ClinVar variation 2965604 (VCV002965604.3), dbSNP rs977397569, ClinGen allele CA297081771.